The following is an entry in ClinVar:

NM_002746.3(MAPK3):c.984C>T (p.Pro328=)

Gene: MAPK3 (mitogen-activated protein kinase 3; minus strand). Cytogenetic location: 16p11.2.
Variant type: single nucleotide variant.
Coding change: c.984C>T on transcript NM_002746.3 (MANE Select); coding-DNA position 984, C replaced by T.
Protein change: p.Pro328=; no amino-acid change (proline 328 retained).
Molecular consequence: synonymous variant.
Genome position (GRCh38, 1-based): chr16:30,116,927, G>A on the plus strand (C>T on the coding strand, the complement: MAPK3 is on the minus strand). VCF-style: chr16-30116927-G-A. GRCh37 (hg19) VCF-style: chr16-30128248-G-A.
Other names: c.984C>T, p.Pro328= (NM_001040056.3); c.852C>T, p.Pro284= (NM_001109891.2).
Identifiers: ClinVar variation 4822226 (VCV004822226.4).

ClinVar aggregate classification (germline): Likely benign (1 of 4 stars; one submission).

gnomAD v4.1: 1 of 1,613,936 alleles (0.000062%); highest among the groups gnomAD compares: Admixed American, 0.0017%; no homozygotes.

Submission:

CeGaT Center for Human Genetics Tuebingen
Classification: Likely benign. Last evaluated: 2026-01-01. Review status: criteria provided, single submitter. Criteria: CeGaT Center For Human Genetics Tuebingen Variant Classification Criteria Version 2. Collection method: clinical testing. Allele origin: germline. Affected: yes. Observed: 1 variant allele.
Comment: MAPK3: BP4, BP7